The following is an entry in ClinVar:

NM_052947.4(ALPK2):c.1411G>A (p.Asp471Asn)

Gene: ALPK2 (alpha kinase 2; minus strand). Cytogenetic location: 18q21.31.
Variant type: single nucleotide variant.
Coding change: c.1411G>A on transcript NM_052947.4 (MANE Select); coding-DNA position 1411, G replaced by A.
Protein change: p.Asp471Asn; replaces aspartic acid 471 with asparagine.
Molecular consequence: missense variant.
Genome position (GRCh38, 1-based): chr18:58,579,365, C>T on the plus strand (G>A on the coding strand, the complement: ALPK2 is on the minus strand). VCF-style: chr18-58579365-C-T. GRCh37 (hg19) VCF-style: chr18-56246597-C-T.
Other names: short protein forms D471N.
Identifiers: ClinVar variation 1772049 (VCV001772049.3), dbSNP rs764733875, ClinGen allele CA8977262.

ClinVar aggregate classification (germline): Uncertain significance (1 of 4 stars; one submission).

Allele frequency attached by ClinVar (database versions not stated): ExAC 0.00001; gnomAD 0.00001; gnomAD exomes 0.00001.
gnomAD v4.1: 10 of 1,614,070 alleles (0.00062%); highest among the groups gnomAD compares: Non-Finnish European, 0.00085%; no homozygotes.

Submission:

Ambry Genetics
Classification: Uncertain significance. Last evaluated: 2024-07-27. Review status: criteria provided, single submitter. Criteria: Ambry Variant Classification Scheme 2023. Collection method: clinical testing. Allele origin: germline.
Comment: The p.D471N variant (also known as c.1411G>A), located in coding exon 3 of the ALPK2 gene, results from a G to A substitution at nucleotide position 1411. The aspartic acid at codon 471 is replaced by asparagine, an amino acid with highly similar properties. This amino acid position is conserved. In addition, this alteration is predicted to be tolerated by in silico analysis. Since supporting evidence is limited at this time, the clinical significance of this alteration remains unclear.